The following is an entry in ClinVar:

ClinVar aggregate classification (germline): Uncertain significance. Review status: criteria provided, multiple submitters, no conflicts (2 of 4 stars). 2 submissions from 2 submitters: Uncertain significance (2). Last evaluated 2024-04-29.

Conditions:
Familial cancer of breast. Also called: Hereditary breast cancer; hereditary breast carcinoma; BREAST CANCER, FAMILIAL. Identifiers: Orphanet 227535, MedGen C0346153, MONDO:0016419, OMIM 114480. Disease mechanism: loss of function.
Fanconi anemia complementation group J. Also called: BRIP1-Related Fanconi Anemia. Identifiers: Orphanet 84, MedGen C1836860, MONDO:0012187, OMIM 609054.
Hereditary cancer-predisposing syndrome. Also called: Neoplastic Syndromes, Hereditary; Hereditary Cancer Syndrome; Tumor predisposition; Hereditary neoplastic syndrome. Identifiers: Orphanet 140162, MedGen C0027672, MeSH D009386, MONDO:0015356.

Submissions (2):

Labcorp Genetics (formerly Invitae), Labcorp
Classification: Uncertain significance for Familial cancer of breast; Fanconi anemia complementation group J. Last evaluated: 2024-04-29. Review status: criteria provided, single submitter. Criteria: Invitae Variant Classification Sherloc (09022015). Collection method: clinical testing. Allele origin: germline.
Comment: This sequence change replaces valine, which is neutral and non-polar, with glycine, which is neutral and non-polar, at codon 289 of the BRIP1 protein (p.Val289Gly). This variant is not present in population databases (gnomAD no frequency). This variant has not been reported in the literature in individuals affected with BRIP1-related conditions. ClinVar contains an entry for this variant (Variation ID: 1037712). Advanced modeling of protein sequence and biophysical properties (such as structural, functional, and spatial information, amino acid conservation, physicochemical variation, residue mobility, and thermodynamic stability) performed at Invitae indicates that this missense variant is not expected to disrupt BRIP1 protein function with a negative predictive value of 80%. In summary, the available evidence is currently insufficient to determine the role of this variant in disease. Therefore, it has been classified as a Variant of Uncertain Significance.

Ambry Genetics
Classification: Uncertain significance for Hereditary cancer-predisposing syndrome. Last evaluated: 2023-04-25. Review status: criteria provided, single submitter. Criteria: Ambry Variant Classification Scheme 2023. Collection method: clinical testing. Allele origin: germline.
Comment: The p.V289G variant (also known as c.866T>G), located in coding exon 6 of the BRIP1 gene, results from a T to G substitution at nucleotide position 866. The valine at codon 289 is replaced by glycine, an amino acid with dissimilar properties. This amino acid position is conserved. In addition, this alteration is predicted to be tolerated by in silico analysis. Since supporting evidence is limited at this time, the clinical significance of this alteration remains unclear.

NM_032043.3(BRIP1):c.866T>G (p.Val289Gly)

Gene: BRIP1 (BRCA1 interacting DNA helicase 1; minus strand). Cytogenetic location: 17q23.2.
Variant type: single nucleotide variant.
Coding change: c.866T>G on transcript NM_032043.3 (MANE Select); coding-DNA position 866, T replaced by G.
Protein change: p.Val289Gly; replaces valine 289 with glycine.
Molecular consequence: missense variant.
Genome position (GRCh38, 1-based): chr17:61,808,519, A>C on the plus strand (T>G on the coding strand, the complement: BRIP1 is on the minus strand). VCF-style: chr17-61808519-A-C. GRCh37 (hg19) VCF-style: chr17-59885880-A-C.
Other names: c.866T>G (NM_032043.2); short protein forms V289G.
Identifiers: ClinVar variation 1037712 (VCV001037712.11), dbSNP rs2078108215, ClinGen allele CA400484747.